The following is an entry in ClinVar:

NM_178857.6(RP1L1):c.477C>A (p.Asn159Lys)

Gene: RP1L1 (RP1 like 1). Cytogenetic location: 8p23.1.
Variant type: single nucleotide variant.
Coding change: c.477C>A on transcript NM_178857.6 (MANE Select); coding-DNA position 477, C replaced by A.
Protein change: p.Asn159Lys; replaces asparagine 159 with lysine.
Molecular consequence: missense variant.
Genome position (GRCh38, 1-based): chr8:10,622,725, G>T on the plus strand (C>A on the coding strand, the complement: RP1L1 is on the minus strand). VCF-style: chr8-10622725-G-T. GRCh37 (hg19) VCF-style: chr8-10480235-G-T.
Other names: short protein forms N159K.
Identifiers: ClinVar variation 910536 (VCV000910536.16), dbSNP rs769690517, ClinGen allele CA4625682.

ClinVar aggregate classification (germline): Conflicting classifications of pathogenicity. Review status: criteria provided, conflicting classifications (1 of 4 stars). 5 submissions from 5 submitters: Uncertain significance (4); Likely benign (1). Last evaluated 2025-11-18.

Conditions:
Inborn genetic diseases. Identifiers: MedGen C0950123, MeSH D030342.
Occult macular dystrophy (OCMD). Also called: OMD; OCCULT MACULAR DYSTROPHY, SUSCEPTIBILITY TO. Identifiers: Orphanet 247834, MedGen C3150833, MONDO:0013316, OMIM 613587, HP:0030636.
RP1L1-related disorder. Also called: RP1L1-related condition.

Allele frequency attached by ClinVar (database versions not stated): TOPMed 0.00006.
gnomAD v4.1: 101 of 1,614,064 alleles (0.0063%); highest among the groups gnomAD compares: Non-Finnish European, 0.0081%; no homozygotes.

Submissions (5):

PreventionGenetics, part of Exact Sciences
Classification: Uncertain significance for RP1L1-related condition. Last evaluated: 2025-11-18. Review status: criteria provided, single submitter. Criteria: ACMG Guidelines, 2015. Collection method: clinical testing. Allele origin: germline.
Comment: The RP1L1 c.477C>A variant is predicted to result in the amino acid substitution p.Asn159Lys. To our knowledge, this variant has not been reported in the literature. This variant is reported in 0.0044% of alleles in individuals of European (Non-Finnish) descent in gnomAD. At this time, the clinical significance of this variant is uncertain due to the absence of conclusive functional and genetic evidence.

Ambry Genetics
Classification: Uncertain significance for Inborn genetic diseases. Last evaluated: 2025-02-15. Review status: criteria provided, single submitter. Criteria: Ambry Variant Classification Scheme 2023. Collection method: clinical testing. Allele origin: germline.

Labcorp Genetics (formerly Invitae), Labcorp
Classification: Uncertain significance. Last evaluated: 2024-08-08. Review status: criteria provided, single submitter. Criteria: Invitae Variant Classification Sherloc (09022015). Collection method: clinical testing. Allele origin: germline.
Comment: This sequence change replaces asparagine, which is neutral and polar, with lysine, which is basic and polar, at codon 159 of the RP1L1 protein (p.Asn159Lys). This variant is present in population databases (rs769690517, gnomAD 0.005%). This variant has not been reported in the literature in individuals affected with RP1L1-related conditions. ClinVar contains an entry for this variant (Variation ID: 910536). Advanced modeling of protein sequence and biophysical properties (such as structural, functional, and spatial information, amino acid conservation, physicochemical variation, residue mobility, and thermodynamic stability) has been performed at Invitae for this missense variant, however the output from this modeling did not meet the statistical confidence thresholds required to predict the impact of this variant on RP1L1 protein function. In summary, the available evidence is currently insufficient to determine the role of this variant in disease. Therefore, it has been classified as a Variant of Uncertain Significance.

Blueprint Genetics
Classification: Uncertain significance. Last evaluated: 2024-06-20. Review status: criteria provided, single submitter. Criteria: ACMG Guidelines, 2015. Collection method: clinical testing. Allele origin: germline.

Illumina Laboratory Services, Illumina
Classification: Likely benign for Occult macular dystrophy. Last evaluated: 2018-01-12. Review status: criteria provided, single submitter. Criteria: ICSL Variant Classification Criteria 13 December 2019. Collection method: clinical testing. Allele origin: germline.
Comment: This variant was observed in the ICSL laboratory as part of a predisposition screen in an ostensibly healthy population. It had not been previously curated by ICSL or reported in the Human Gene Mutation Database (HGMD: prior to June 1st, 2018), and was therefore a candidate for classification through an automated scoring system. Utilizing variant allele frequency, disease prevalence and penetrance estimates, and inheritance mode, an automated score was calculated to assess if this variant is too frequent to cause the disease. Based on the score and internal cut-off values, a variant classified as likely benign is not then subjected to further curation. The score for this variant resulted in a classification of likely benign for this disease.